The following is an entry in ClinVar:

NM_001122630.2(CDKN1C):c.440C>T (p.Pro147Leu)

Gene: CDKN1C (cyclin dependent kinase inhibitor 1C; minus strand). Cytogenetic location: 11p15.4.
Variant type: single nucleotide variant.
Coding change: c.440C>T on transcript NM_001122630.2 (MANE Select); coding-DNA position 440, C replaced by T.
Protein change: p.Pro147Leu; replaces proline 147 with leucine.
Molecular consequence: missense variant. On other transcripts: intron variant (1).
Genome position (GRCh38, 1-based): chr11:2,885,017, G>A on the plus strand (C>T on the coding strand, the complement: CDKN1C is on the minus strand). VCF-style: chr11-2885017-G-A. GRCh37 (hg19) VCF-style: chr11-2906247-G-A.
Other names: c.473C>T, p.Pro158Leu (LRG_533t1, NM_000076.2, NM_001362474.2); c.440C>T, p.Pro147Leu (NM_001122631.2); c.255+185C>T (NM_001362475.2); short protein forms P147L, P158L.
Identifiers: ClinVar variation 647450 (VCV000647450.8), dbSNP rs1320293569, ClinGen allele CA379146629.

ClinVar aggregate classification (germline): Uncertain significance (1 of 4 stars; one submission).

Conditions:
Beckwith-Wiedemann syndrome (BWS). Also called: Exomphalos macroglossia gigantism syndrome; EMG SYNDROME. Identifiers: Orphanet 116, MedGen C0004903, MONDO:0007534, OMIM 130650.

Allele frequency attached by ClinVar (database versions not stated): gnomAD 0.00001; TOPMed 0.00001.

Submission:

Labcorp Genetics (formerly Invitae), Labcorp
Classification: Uncertain significance for Beckwith-Wiedemann syndrome. Last evaluated: 2022-06-18. Review status: criteria provided, single submitter. Criteria: Invitae Variant Classification Sherloc (09022015). Collection method: clinical testing. Allele origin: germline.
Comment: In summary, the available evidence is currently insufficient to determine the role of this variant in disease. Therefore, it has been classified as a Variant of Uncertain Significance. Algorithms developed to predict the effect of missense changes on protein structure and function are either unavailable or do not agree on the potential impact of this missense change (SIFT: "Deleterious"; PolyPhen-2: "Not Available"; Align-GVGD: "Class C0"). ClinVar contains an entry for this variant (Variation ID: 647450). This variant has not been reported in the literature in individuals affected with CDKN1C-related conditions. This variant is not present in population databases (gnomAD no frequency). This sequence change replaces proline, which is neutral and non-polar, with leucine, which is neutral and non-polar, at codon 158 of the CDKN1C protein (p.Pro158Leu).